The following is an entry in ClinVar:

ClinVar aggregate classification (germline): Uncertain significance. Review status: criteria provided, single submitter (1 of 4 stars). 2 submissions from 2 submitters: Uncertain significance (1). 1 of the submissions does not count toward it.

Allele frequency attached by ClinVar (database versions not stated): gnomAD exomes 0.00006; ExAC 0.00007; gnomAD 0.00011 and 0.00013; TOPMed 0.00012; 1000 Genomes Project 30x 0.00016; 1000 Genomes Project 0.00020; ESP Exome Variant Server 0.00031.
gnomAD v4.1: 108 of 1,613,518 alleles (0.0067%); highest among the groups gnomAD compares: Middle Eastern, 0.15%; 1 homozygote.

Submissions (2):

Breakthrough Genomics
Classification: Uncertain significance. Review status: criteria provided, single submitter. Criteria: ACMG Guidelines, 2015. Collection method: not provided. Allele origin: germline. Inheritance: Autosomal recessive inheritance. Affected: yes.

Department of Pathology and Laboratory Medicine, Sinai Health System
Classification: Uncertain significance. Review status: no assertion criteria provided. Collection method: clinical testing. Allele origin: unknown. Affected: yes. Study: The Canadian Open Genetics Repository (COGR). Not counted in ClinVar's aggregate classification.
Comment: The CTNS p.Pro384Leu variant was not identified in the literature nor was it identified in ClinVar, Cosmic or LOVD 3.0. The variant was identified in dbSNP (ID: rs146610717) and in control databases in 20 of 282580 chromosomes at a frequency of 0.000071 (Genome Aggregation Database Feb 27, 2017). The variant was observed in the following populations: African in 11 of 24940 chromosomes (freq: 0.000441), Other in 2 of 7218 chromosomes (freq: 0.000277), Latino in 2 of 35434 chromosomes (freq: 0.000056) and European (non-Finnish) in 5 of 128960 chromosomes (freq: 0.000039); it was not observed in the Ashkenazi Jewish, East Asian, European (Finnish), and South Asian populations. The c.1151C>T variant occurs outside of the splicing consensus sequence and in silico or computational prediction software programs (SpliceSiteFinder, MaxEntScan, NNSPLICE, GeneSplicer) do not predict a difference in splicing. The p.Pro384 residue is not conserved in mammals and four out of five computational analyses (PolyPhen-2, SIFT, AlignGVGD, MutationTaster) do not suggest a high likelihood of impact to the protein; however, this information is not predictive enough to rule out pathogenicity. In summary, based on the above information the clinical significance of this variant cannot be determined with certainty at this time. This variant is classified as a variant of uncertain significance.

NM_004937.3(CTNS):c.*313C>T

Gene: CTNS (cystinosin, lysosomal cystine transporter; plus strand). Cytogenetic location: 17p13.2.
Variant type: single nucleotide variant.
Coding change: c.*313C>T on transcript NM_004937.3 (MANE Select); 313 bases downstream of the stop codon, C replaced by T.
Molecular consequence: 3 prime UTR variant. On other transcripts: missense variant (2).
Genome position (GRCh38, 1-based): chr17:3,660,682, C>T. VCF-style: chr17-3660682-C-T. GRCh37 (hg19) VCF-style: chr17-3563976-C-T.
Other names: c.1151C>T, p.Pro384Leu (NM_001031681.3, NM_001374492.1); c.*313C>T (NM_001374493.1, NM_001374494.1, NM_001374495.1 and 1 more transcripts); short protein forms P384L.
Identifiers: ClinVar variation 1049189 (VCV001049189.2), dbSNP rs146610717, ClinGen allele CA8292082.
Genomic context (GRCh38, chr17:3,660,682, plus strand): 5'-AGGCAGCGCGCACAGGCTCTGGCAGCCGTCTCAGGCAGGACTGGGCACCAAGCTTGCAGC[C>T]GAAGGCCTTGCCCCAAACTACCAGCGTTTCTGCAAGCAGCTTGAAGGGCTGACCTTGCAG-3'